The following is an entry in ClinVar:

NM_000059.4(BRCA2):c.6874G>T (p.Glu2292Ter)

Gene: BRCA2 (BRCA2 DNA repair associated; plus strand). Cytogenetic location: 13q13.1.
Variant type: single nucleotide variant.
Coding change: c.6874G>T on transcript NM_000059.4 (MANE Select); coding-DNA position 6874, G replaced by T.
Protein change: p.Glu2292Ter; replaces glutamic acid 2292 with a stop codon.
Molecular consequence: nonsense.
Genome position (GRCh38, 1-based): chr13:32,344,590, G>T. VCF-style: chr13-32344590-G-T. GRCh37 (hg19) VCF-style: chr13-32918727-G-T.
Other names: c.6874G>T, p.Glu2292Ter (NM_001406720.1); c.1942G>T, p.Glu648Ter (NM_001406721.1); c.457G>T, p.Glu153Ter (NM_001406722.1); short protein forms E2292*, E153*, E648*.
Identifiers: ClinVar variation 1755900 (VCV001755900.2), dbSNP rs2137536986, ClinGen allele CA387792730.
Genomic context (GRCh38, chr13:32,344,590, plus strand): 5'-AAAACATATATGAAATATTTCTTTTTAGGAGAACCCTCAATCAAAAGAAACTTATTAAAT[G>T]AATTTGACAGGATAATAGAAAATCAAGAAAAATCCTTAAAGGCTTCAAAAAGCACTCCAG-3'

ClinVar aggregate classification (germline): Uncertain significance (1 of 4 stars; one submission).

Conditions:
Hereditary cancer-predisposing syndrome. Also called: Neoplastic Syndromes, Hereditary; Tumor predisposition; Hereditary Cancer Syndrome; Hereditary neoplastic syndrome. Identifiers: Orphanet 140162, MedGen C0027672, MeSH D009386, MONDO:0015356.

Submission:

Ambry Genetics
Classification: Uncertain significance for Hereditary cancer-predisposing syndrome. Last evaluated: 2022-05-03. Review status: criteria provided, single submitter. Criteria: Ambry Variant Classification Scheme 2023. Collection method: clinical testing. Allele origin: germline.
Comment: The p.E2292* variant (also known as c.6874G>T), located in coding exon 11 of the BRCA2 gene, results from a G to T substitution at nucleotide position 6874. This changes the amino acid from a glutamic acid to a stop codon within coding exon 11. This alteration is expected to result in loss of function by premature protein truncation or nonsense-mediated mRNA decay. However, loss of function involving truncations in coding exon 11 (also known as Exon 12 in the literature) specifically has not been clearly established as a mechanism of disease. Since supporting evidence is limited at this time, the clinical significance of this alteration remains unclear.